The following is an entry in ClinVar:

NM_001083926.2(ASRGL1):c.521T>C (p.Leu174Ser)

Gene: ASRGL1 (asparaginase and isoaspartyl peptidase 1; plus strand). Cytogenetic location: 11q12.3.
Variant type: single nucleotide variant.
Coding change: c.521T>C on transcript NM_001083926.2 (MANE Select); coding-DNA position 521, T replaced by C.
Protein change: p.Leu174Ser; replaces leucine 174 with serine.
Molecular consequence: missense variant.
Genome position (GRCh38, 1-based): chr11:62,389,162, T>C. VCF-style: chr11-62389162-T-C. GRCh37 (hg19) VCF-style: chr11-62156634-T-C.
Other names: c.521T>C, p.Leu174Ser (NM_025080.4); short protein forms L174S.
Identifiers: ClinVar variation 1721281 (VCV001721281.5), dbSNP rs2495329924, ClinGen allele CA380870232.
Genomic context (GRCh38, chr11:62,389,162, plus strand): 5'-CTGTCACTTTTTTTCTGTTTATTTTTGGCAGAAACTTGGGAACCGTGGGTGCTGTTGCCT[T>C]GGACTGCAAAGGGAATGTAGCCTACGCAACCTCCACAGGCGGTATCGTTAATAAAATGGT-3'
Protein context (NP_001077395.1, residues 164-184): KNLGTVGAVA[Leu174Ser]DCKGNVAYAT

ClinVar aggregate classification (germline): Uncertain significance (1 of 4 stars; one submission).

Allele frequency attached by ClinVar (database versions not stated): gnomAD exomes 0.00001.

Submission:

Labcorp Genetics (formerly Invitae), Labcorp
Classification: Uncertain significance. Last evaluated: 2022-10-08. Review status: criteria provided, single submitter. Criteria: Invitae Variant Classification Sherloc (09022015). Collection method: clinical testing. Allele origin: germline.
Comment: In summary, the available evidence is currently insufficient to determine the role of this variant in disease. Therefore, it has been classified as a Variant of Uncertain Significance. This sequence change replaces leucine, which is neutral and non-polar, with serine, which is neutral and polar, at codon 174 of the ASRGL1 protein (p.Leu174Ser). This variant is not present in population databases (gnomAD no frequency). This variant has not been reported in the literature in individuals affected with ASRGL1-related conditions. Algorithms developed to predict the effect of missense changes on protein structure and function are either unavailable or do not agree on the potential impact of this missense change (SIFT: "Deleterious"; PolyPhen-2: "Benign"; Align-GVGD: "Class C35").